The following is an entry in ClinVar:

NM_173812.5(DPY19L2):c.495G>A (p.Ser165=)

Gene: DPY19L2 (dpy-19 like 2; minus strand). Cytogenetic location: 12q14.2.
Variant type: single nucleotide variant.
Coding change: c.495G>A on transcript NM_173812.5 (MANE Select); coding-DNA position 495, G replaced by A.
Protein change: p.Ser165=; no amino-acid change (serine 165 retained).
Molecular consequence: synonymous variant.
Genome position (GRCh38, 1-based): chr12:63,661,437, C>T on the plus strand (G>A on the coding strand, the complement: DPY19L2 is on the minus strand). VCF-style: chr12-63661437-C-T. GRCh37 (hg19) VCF-style: chr12-64055217-C-T.
Identifiers: ClinVar variation 2643156 (VCV002643156.24), dbSNP rs530456810, ClinGen allele CA6665781.
Genomic context (GRCh38, chr12:63,661,437, plus strand): 5'-AATTATAAGAGGATATTCAGTAAGCCTGTCATTCATAATCATCCACAGTCCTTCCAAAAA[C>T]GAAGGTGCTTCAATAATGGTCTTGAAGTATGAATAATAAAGTCCCTTTTTTTAAAAAAAG-3'
Protein context (NP_776173.3, residues 155-175): SYFKTIIEAP[Ser165=]FLEGLWMIMN

ClinVar aggregate classification (germline): Likely benign (1 of 4 stars; one submission).

Allele frequency attached by ClinVar (database versions not stated): TOPMed 0.00006; gnomAD 0.00010; ExAC 0.00011; gnomAD exomes 0.00011; 1000 Genomes Project 30x 0.00031; 1000 Genomes Project 0.00040.
gnomAD v4.1: 166 of 1,600,294 alleles (0.01%); highest among the groups gnomAD compares: East Asian, 0.02%; no homozygotes.

Submission:

CeGaT Center for Human Genetics Tuebingen
Classification: Likely benign. Last evaluated: 2024-11-01. Review status: criteria provided, single submitter. Criteria: CeGaT Center For Human Genetics Tuebingen Variant Classification Criteria Version 2. Collection method: clinical testing. Allele origin: germline. Affected: yes. Observed: 2 variant alleles.
Comment: DPY19L2: BP4, BP7